The following is an entry in ClinVar:

NM_002497.4(NEK2):c.1082G>A (p.Arg361Gln)

Gene: NEK2 (NIMA related kinase 2; minus strand). Cytogenetic location: 1q32.3.
Variant type: single nucleotide variant.
Coding change: c.1082G>A on transcript NM_002497.4 (MANE Select); coding-DNA position 1082, G replaced by A.
Protein change: p.Arg361Gln; replaces arginine 361 with glutamine.
Molecular consequence: missense variant.
Genome position (GRCh38, 1-based): chr1:211,667,135, C>T on the plus strand (G>A on the coding strand, the complement: NEK2 is on the minus strand). VCF-style: chr1-211667135-C-T. GRCh37 (hg19) VCF-style: chr1-211840477-C-T.
Other names: c.1082G>A, p.Arg361Gln (NM_001204182.2, NM_001204183.2); short protein forms R361Q.
Identifiers: ClinVar variation 4769541 (VCV004769541.1).

ClinVar aggregate classification (germline): Uncertain significance (1 of 4 stars; one submission).

gnomAD v4.1: 15 of 1,613,570 alleles (0.00093%); highest among the groups gnomAD compares: East Asian, 0.016%; no homozygotes.

Submission:

Labcorp Genetics (formerly Invitae), Labcorp
Classification: Uncertain significance. Last evaluated: 2025-03-26. Review status: criteria provided, single submitter. Criteria: Invitae Variant Classification Sherloc (09022015). Collection method: clinical testing. Allele origin: germline.
Comment: This sequence change replaces arginine, which is basic and polar, with glutamine, which is neutral and polar, at codon 361 of the NEK2 protein (p.Arg361Gln). This variant is present in population databases (rs745466887, gnomAD 0.006%). This variant has not been reported in the literature in individuals affected with NEK2-related conditions. An algorithm developed to predict the effect of missense changes on protein structure and function outputs the following: PolyPhen-2: "Benign". The glutamine amino acid residue is found in multiple mammalian species, which suggests that this missense change does not adversely affect protein function. In summary, the available evidence is currently insufficient to determine the role of this variant in disease. Therefore, it has been classified as a Variant of Uncertain Significance.